The following is an entry in ClinVar:

ClinVar aggregate classification (germline): Uncertain significance. Review status: criteria provided, multiple submitters, no conflicts (2 of 4 stars). 2 submissions from 2 submitters: Uncertain significance (2). Last evaluated 2024-12-29.

Conditions:
Familial thoracic aortic aneurysm and aortic dissection (TAAD). Also called: Thoracic aortic aneurysms and dissections. Identifiers: Orphanet 91387, MedGen C4707243, MONDO:0019625.

gnomAD v4.1: 11 of 1,613,890 alleles (0.00068%); highest among the groups gnomAD compares: Admixed American, 0.0083%; no homozygotes.

Submissions (2):

Ambry Genetics
Classification: Uncertain significance for Familial thoracic aortic aneurysm and aortic dissection. Last evaluated: 2024-12-29. Review status: criteria provided, single submitter. Criteria: Ambry Variant Classification Scheme 2023. Collection method: clinical testing. Allele origin: germline.
Comment: The p.V1937I variant (also known as c.5809G>A), located in coding exon 40 of the MYH11 gene, results from a G to A substitution at nucleotide position 5809. The valine at codon 1937 is replaced by isoleucine, an amino acid with highly similar properties. This amino acid position is conserved. In addition, this alteration is predicted to be tolerated by in silico analysis. Based on the available evidence, the clinical significance of this variant remains unclear.

GeneDx
Classification: Uncertain significance. Last evaluated: 2023-11-16. Review status: criteria provided, single submitter. Criteria: GeneDx Variant Classification Process June 2021. Collection method: clinical testing. Allele origin: germline. Affected: yes.
Comment: In silico analysis supports that this missense variant does not alter protein structure/function; Has not been previously published as pathogenic or benign to our knowledge; This variant is associated with the following publications: (PMID: 21529752)

NM_002474.3(MYH11):c.5809G>A (p.Val1937Ile)

Genes: NDE1 (nudE neurodevelopment protein 1; plus strand), MYH11 (myosin heavy chain 11; minus strand). Cytogenetic location: 16p13.11.
Variant type: single nucleotide variant.
Coding change: c.5809G>A on transcript NM_002474.3 (MANE Select); coding-DNA position 5809, G replaced by A.
Protein change: p.Val1937Ile; replaces valine 1937 with isoleucine.
Molecular consequence: missense variant. On other transcripts: 3 prime UTR variant (2), intron variant (2).
Genome position (GRCh38, 1-based): chr16:15,704,101, C>T on the plus strand (G>A on the coding strand, the complement: MYH11 is on the minus strand). VCF-style: chr16-15704101-C-T. GRCh37 (hg19) VCF-style: chr16-15797958-C-T.
Other names: c.*31G>A (NM_001040113.2, NM_022844.3); c.5830G>A, p.Val1944Ile (NM_001040114.2); c.947+7241C>T (NM_001143979.2, NM_017668.3); c.5809G>A (NM_002474.2); short protein forms V1937I, V1944I.
Identifiers: ClinVar variation 3364505 (VCV003364505.2).